The following is an entry in ClinVar:

NM_138420.4(AHNAK2):c.3255G>A (p.Glu1085=)

Gene: AHNAK2 (AHNAK nucleoprotein 2; minus strand). Cytogenetic location: 14q32.33.
Variant type: single nucleotide variant.
Coding change: c.3255G>A on transcript NM_138420.4 (MANE Select); coding-DNA position 3255, G replaced by A.
Protein change: p.Glu1085=; no amino-acid change (glutamic acid 1085 retained).
Molecular consequence: synonymous variant.
Genome position (GRCh38, 1-based): chr14:104,952,196, C>T on the plus strand (G>A on the coding strand, the complement: AHNAK2 is on the minus strand). VCF-style: chr14-104952196-C-T. GRCh37 (hg19) VCF-style: chr14-105418533-C-T.
Other names: c.2955G>A, p.Glu985= (NM_001350929.2).
Identifiers: ClinVar variation 2644859 (VCV002644859.24), dbSNP rs776441604, ClinGen allele CA7383155.
Genomic context (GRCh38, chr14:104,952,196, plus strand): 5'-GCCCTTGACGTCCACCTGGGGGCCCTTGAGGGCCACTTTGGGCATCTTGAAACTGGGCAT[C>T]TCCACCTTGGGCAAGTGCCCTTTAAGGCCAGCTCCCTCGGGCAGGTGGCCCTCCGGGAGC-3'
Protein context (NP_612429.2, residues 1075-1095): AGLKGHLPKV[Glu1085=]MPSFKMPKVA

ClinVar aggregate classification (germline): Likely benign (1 of 4 stars; one submission).

Allele frequency attached by ClinVar (database versions not stated): ExAC 0.00001; gnomAD exomes 0.00004; gnomAD 0.00007; TOPMed 0.00007.

Submission:

CeGaT Center for Human Genetics Tuebingen
Classification: Likely benign. Last evaluated: 2022-10-01. Review status: criteria provided, single submitter. Criteria: CeGaT Center For Human Genetics Tuebingen Variant Classification Criteria Version 2. Collection method: clinical testing. Allele origin: germline. Affected: yes. Observed: 1 variant allele.
Comment: AHNAK2: BP4, BP7